The following is an entry in ClinVar:

NM_173471.4(SLC25A26):c.-274C>G

Gene: SLC25A26 (solute carrier family 25 member 26; plus strand). Cytogenetic location: 3p14.1.
Variant type: single nucleotide variant.
Coding change: c.-274C>G on transcript NM_173471.4; 274 bases upstream of the start codon, C replaced by G.
Molecular consequence: 5 prime UTR variant. On other transcripts: non-coding transcript variant (2).
Genome position (GRCh38, 1-based): chr3:66,220,821, C>G. VCF-style: chr3-66220821-C-G. GRCh37 (hg19) VCF-style: chr3-66271247-C-G.
Other names: c.-381C>G (NM_001164796.1); c.-625C>G (NM_001350993.1); c.-269C>G (NM_001400711.1).
Identifiers: ClinVar variation 672649 (VCV000672649.4), dbSNP rs137909944, ClinGen allele CA76462531.

ClinVar aggregate classification (germline): Benign. Review status: criteria provided, multiple submitters, no conflicts (2 of 4 stars). 2 submissions from 2 submitters: Benign (2). Last evaluated 2018-06-14.

Allele frequency attached by ClinVar (database versions not stated): gnomAD 0.06359 and 0.06508; 1000 Genomes Project 30x 0.06512; 1000 Genomes Project 0.06589; TOPMed 0.06676; gnomAD exomes 0.04579.
gnomAD v4.1: 26,932 of 530,348 alleles (5.1%); highest among the groups gnomAD compares: African/African-American, 10%; 926 homozygotes.

Submissions (2):

GeneDx
Classification: Benign. Last evaluated: 2018-06-14. Review status: criteria provided, single submitter. Criteria: GeneDx Variant Classification (06012015). Collection method: clinical testing. Allele origin: germline. Affected: yes.
Comment: This variant is considered likely benign or benign based on one or more of the following criteria: it is a conservative change, it occurs at a poorly conserved position in the protein, it is predicted to be benign by multiple in silico algorithms, and/or has population frequency not consistent with disease.

Breakthrough Genomics
Classification: Benign. Review status: criteria provided, single submitter. Criteria: ACMG Guidelines, 2015. Collection method: not provided. Allele origin: germline. Inheritance: Autosomal recessive inheritance. Affected: yes.